The following is an entry in ClinVar:

ClinVar aggregate classification (germline): Uncertain significance. Review status: criteria provided, multiple submitters, no conflicts (2 of 4 stars). 3 submissions from 3 submitters: Uncertain significance (3). Last evaluated 2025-06-18.

Conditions:
Inborn genetic diseases. Identifiers: MedGen C0950123, MeSH D030342.
DIS3L2-related disorder. Also called: DIS3L2-related condition.
Perlman syndrome (PRLMNS). Identifiers: Orphanet 2849, MedGen C0796113, MONDO:0009965, OMIM 267000.

Allele frequency attached by ClinVar (database versions not stated): gnomAD exomes 0.00001 and 0.00003; gnomAD 0.00003 and 0.00004; TOPMed 0.00003.
gnomAD v4.1: 25 of 1,612,866 alleles (0.0016%); highest among the groups gnomAD compares: South Asian, 0.0044%; no homozygotes.

Submissions (3):

Labcorp Genetics (formerly Invitae), Labcorp
Classification: Uncertain significance for Perlman syndrome. Last evaluated: 2025-06-18. Review status: criteria provided, single submitter. Criteria: Invitae Variant Classification Sherloc (09022015). Collection method: clinical testing. Allele origin: germline.
Comment: This sequence change replaces alanine, which is neutral and non-polar, with threonine, which is neutral and polar, at codon 400 of the DIS3L2 protein (p.Ala400Thr). This variant is present in population databases (no rsID available, gnomAD 0.006%). This variant has not been reported in the literature in individuals affected with DIS3L2-related conditions. ClinVar contains an entry for this variant (Variation ID: 463048). Invitae Evidence Modeling of protein sequence and biophysical properties (such as structural, functional, and spatial information, amino acid conservation, physicochemical variation, residue mobility, and thermodynamic stability) indicates that this missense variant is not expected to disrupt DIS3L2 protein function with a negative predictive value of 80%. In summary, the available evidence is currently insufficient to determine the role of this variant in disease. Therefore, it has been classified as a Variant of Uncertain Significance.

Ambry Genetics
Classification: Uncertain significance for Inborn genetic diseases. Last evaluated: 2025-03-18. Review status: criteria provided, single submitter. Criteria: Ambry Variant Classification Scheme 2023. Collection method: clinical testing. Allele origin: germline.

PreventionGenetics, part of Exact Sciences
Classification: Uncertain significance for DIS3L2-related condition. Last evaluated: 2022-09-23. Review status: criteria provided, single submitter. Criteria: ACMG Guidelines, 2015. Collection method: clinical testing. Allele origin: germline.
Comment: The DIS3L2 c.1198G>A variant is predicted to result in the amino acid substitution p.Ala400Thr. To our knowledge, this variant has not been reported in the literature. This variant is reported in 0.0053% of alleles in individuals of European (Non-Finnish) descent in gnomAD and is reported as a variant of uncertain significance in ClinVar. At this time, the clinical significance of this variant is uncertain due to the absence of conclusive functional and genetic evidence.

NM_152383.5(DIS3L2):c.1198G>A (p.Ala400Thr)

Gene: DIS3L2 (DIS3 like 3'-5' exoribonuclease 2; plus strand). Cytogenetic location: 2q37.1.
Variant type: single nucleotide variant.
Coding change: c.1198G>A on transcript NM_152383.5 (MANE Select); coding-DNA position 1198, G replaced by A.
Protein change: p.Ala400Thr; replaces alanine 400 with threonine.
Molecular consequence: missense variant. On other transcripts: non-coding transcript variant (2).
Genome position (GRCh38, 1-based): chr2:232,210,399, G>A. VCF-style: chr2-232210399-G-A. GRCh37 (hg19) VCF-style: chr2-233075109-G-A.
Other names: c.1198G>A, p.Ala400Thr (NM_001257281.2); short protein forms A400T.
Identifiers: ClinVar variation 463048 (VCV000463048.10), dbSNP rs1342000775, ClinGen allele CA351154127.